The following is an entry in ClinVar:

ClinVar aggregate classification (germline): Pathogenic (1 of 4 stars; one submission).

Conditions:
Early-infantile DEE. Also called: Early infantile epileptic encephalopathy; Early infantile epileptic encephalopathy with suppression bursts; Ohtahara syndrome. Identifiers: Orphanet 1934, MedGen C0393706, MONDO:0800491.

Submission:

Labcorp Genetics (formerly Invitae), Labcorp
Classification: Pathogenic for Early-infantile DEE. Last evaluated: 2022-07-05. Review status: criteria provided, single submitter. Criteria: Invitae Variant Classification Sherloc (09022015). Collection method: clinical testing. Allele origin: germline.
Comment: This sequence change replaces cysteine, which is neutral and slightly polar, with glycine, which is neutral and non-polar, at codon 959 of the SCN1A protein (p.Cys959Gly). This variant is not present in population databases (gnomAD no frequency). This missense change has been observed in individual(s) with Dravet syndrome (PMID: 31302675). In at least one individual the variant was observed to be de novo. Advanced modeling of protein sequence and biophysical properties (such as structural, functional, and spatial information, amino acid conservation, physicochemical variation, residue mobility, and thermodynamic stability) performed at Invitae indicates that this missense variant is expected to disrupt SCN1A protein function. For these reasons, this variant has been classified as Pathogenic.

Literature cited by the submitters: PubMed 31302675.

NM_001165963.4(SCN1A):c.2875T>G (p.Cys959Gly)

Gene: SCN1A (sodium voltage-gated channel alpha subunit 1; minus strand). Cytogenetic location: 2q24.3.
Variant type: single nucleotide variant.
Coding change: c.2875T>G on transcript NM_001165963.4 (MANE Select); coding-DNA position 2875, T replaced by G.
Protein change: p.Cys959Gly; replaces cysteine 959 with glycine.
Molecular consequence: missense variant. On other transcripts: non-coding transcript variant (1).
Genome position (GRCh38, 1-based): chr2:166,037,847, A>C on the plus strand (T>G on the coding strand, the complement: SCN1A is on the minus strand). VCF-style: chr2-166037847-A-C. GRCh37 (hg19) VCF-style: chr2-166894357-A-C.
Other names: c.2791T>G, p.Cys931Gly (NM_001165964.3, NM_001353957.2, NM_001353958.2); c.2875T>G, p.Cys959Gly (NM_001202435.3, NM_001353948.2); c.2842T>G, p.Cys948Gly (NM_001353949.2, NM_001353950.2, NM_001353951.2 and 2 more transcripts); c.2839T>G, p.Cys947Gly (NM_001353954.2, NM_001353955.2); c.2788T>G, p.Cys930Gly (NM_001353960.2); c.433T>G, p.Cys145Gly (NM_001353961.2); short protein forms C145G, C930G, C931G, C947G, C948G, C959G.
Identifiers: ClinVar variation 2418886 (VCV002418886.6), dbSNP rs121918796, ClinGen allele CA349061041.